The following is an entry in ClinVar:

ClinVar aggregate classification (germline): Uncertain significance. Review status: criteria provided, multiple submitters, no conflicts (2 of 4 stars). 2 submissions from 2 submitters: Uncertain significance (2). Last evaluated 2023-05-05.

Conditions:
Inborn genetic diseases. Identifiers: MedGen C0950123, MeSH D030342.

Allele frequency attached by ClinVar (database versions not stated): TOPMed 0.00001; ExAC 0.00003; gnomAD exomes 0.00004.
gnomAD v4.1: 14 of 1,613,740 alleles (0.00087%); highest among the groups gnomAD compares: Admixed American, 0.015%; no homozygotes.

Submissions (2):

Ambry Genetics
Classification: Uncertain significance for Inborn genetic diseases. Last evaluated: 2023-05-05. Review status: criteria provided, single submitter. Criteria: Ambry Variant Classification Scheme 2023. Collection method: clinical testing. Allele origin: germline.

Labcorp Genetics (formerly Invitae), Labcorp
Classification: Uncertain significance. Last evaluated: 2022-09-01. Review status: criteria provided, single submitter. Criteria: Invitae Variant Classification Sherloc (09022015). Collection method: clinical testing. Allele origin: germline.
Comment: This sequence change replaces aspartic acid, which is acidic and polar, with tyrosine, which is neutral and polar, at codon 332 of the HPS4 protein (p.Asp332Tyr). This variant is present in population databases (rs745384564, gnomAD 0.02%). This variant has not been reported in the literature in individuals affected with HPS4-related conditions. ClinVar contains an entry for this variant (Variation ID: 1501833). Algorithms developed to predict the effect of missense changes on protein structure and function are either unavailable or do not agree on the potential impact of this missense change (SIFT: "Deleterious"; PolyPhen-2: "Possibly Damaging"; Align-GVGD: "Class C0"). In summary, the available evidence is currently insufficient to determine the role of this variant in disease. Therefore, it has been classified as a Variant of Uncertain Significance.

NM_022081.6(HPS4):c.994G>T (p.Asp332Tyr)

Gene: HPS4 (HPS4 biogenesis of lysosomal organelles complex 3 subunit 2; minus strand). Cytogenetic location: 22q12.1.
Variant type: single nucleotide variant.
Coding change: c.994G>T on transcript NM_022081.6 (MANE Select); coding-DNA position 994, G replaced by T.
Protein change: p.Asp332Tyr; replaces aspartic acid 332 with tyrosine.
Molecular consequence: missense variant. On other transcripts: non-coding transcript variant (8).
Genome position (GRCh38, 1-based): chr22:26,464,636, C>A on the plus strand (G>T on the coding strand, the complement: HPS4 is on the minus strand). VCF-style: chr22-26464636-C-A. GRCh37 (hg19) VCF-style: chr22-26860602-C-A.
Other names: c.994G>T, p.Asp332Tyr (NM_001349896.1, NM_001349898.2, NM_001349899.2 and 4 more transcripts); c.1048G>T, p.Asp350Tyr (NM_001349900.2, NM_001349901.1); c.979G>T, p.Asp327Tyr (NM_152841.2); c.994G>T (NM_022081.4); short protein forms D327Y, D332Y, D350Y.
Identifiers: ClinVar variation 1501833 (VCV001501833.7), dbSNP rs745384564, ClinGen allele CA10163427.